The following is an entry in ClinVar:

NM_198506.5(LRIT3):c.116+4T>C

Gene: LRIT3 (leucine rich repeat, Ig-like and transmembrane domains 3; plus strand). Cytogenetic location: 4q25.
Variant type: single nucleotide variant.
Coding change: c.116+4T>C on transcript NM_198506.5 (MANE Select); 4 bases into the intron after coding-DNA position 116, T replaced by C.
Molecular consequence: intron variant.
Genome position (GRCh38, 1-based): chr4:109,848,321, T>C. VCF-style: chr4-109848321-T-C. GRCh37 (hg19) VCF-style: chr4-110769477-T-C.
Identifiers: ClinVar variation 948174 (VCV000948174.5), dbSNP rs1560588142, ClinGen allele CA915002953.

ClinVar aggregate classification (germline): Uncertain significance (1 of 4 stars; one submission).

Allele frequency attached by ClinVar (database versions not stated): gnomAD 0.00001; gnomAD exomes 0.00003.
gnomAD v4.1: 39 of 1,219,272 alleles (0.0032%); highest among the groups gnomAD compares: Non-Finnish European, 0.0038%; no homozygotes.

Submission:

Labcorp Genetics (formerly Invitae), Labcorp
Classification: Uncertain significance. Last evaluated: 2025-11-11. Review status: criteria provided, single submitter. Criteria: Invitae Variant Classification Sherloc (09022015). Collection method: clinical testing. Allele origin: germline.
Comment: This sequence change falls in intron 1 of the LRIT3 gene. It does not directly change the encoded amino acid sequence of the LRIT3 protein. It affects a nucleotide within the consensus splice site. This variant is not present in population databases (gnomAD no frequency). This variant has not been reported in the literature in individuals affected with LRIT3-related conditions. ClinVar contains an entry for this variant (Variation ID: 948174). Variants that disrupt the consensus splice site are a relatively common cause of aberrant splicing (PMID: 17576681, 9536098). Algorithms developed to predict the effect of sequence changes on RNA splicing suggest that this variant is not likely to affect RNA splicing. In summary, the available evidence is currently insufficient to determine the role of this variant in disease. Therefore, it has been classified as a Variant of Uncertain Significance.

Literature cited by the submitters: PubMed 17576681; PubMed 9536098.